The following is an entry in ClinVar:

NM_001273.5(CHD4):c.28C>G (p.Pro10Ala)

Gene: CHD4 (chromodomain helicase DNA binding protein 4; minus strand). Cytogenetic location: 12p13.31.
Variant type: single nucleotide variant.
Coding change: c.28C>G on transcript NM_001273.5 (MANE Select); coding-DNA position 28, C replaced by G.
Protein change: p.Pro10Ala; replaces proline 10 with alanine.
Molecular consequence: missense variant.
Genome position (GRCh38, 1-based): chr12:6,606,346, G>C on the plus strand (C>G on the coding strand, the complement: CHD4 is on the minus strand). VCF-style: chr12-6606346-G-C. GRCh37 (hg19) VCF-style: chr12-6715512-G-C.
Other names: c.28C>G, p.Pro10Ala (NM_001297553.2, NM_001363606.2); short protein forms P10A.
Identifiers: ClinVar variation 1310714 (VCV001310714.3), dbSNP rs2136231042, ClinGen allele CA383606170.

ClinVar aggregate classification (germline): Uncertain significance. Review status: criteria provided, multiple submitters, no conflicts (2 of 4 stars). 2 submissions from 2 submitters: Uncertain significance (2). Last evaluated 2025-02-13.

Conditions:
Sifrim-Hitz-Weiss syndrome (SIHIWES). Also called: SIFRIM-HITZ-WEISS MULTIPLE CONGENITAL ANOMALIES-MENTAL RETARDATION SYNDROME; CHD4 Neurodevelopmental Disorder. Identifiers: Orphanet 653712, MedGen C4310688, MONDO:0014946, OMIM 617159.

Submissions (2):

Laboratorio de Genetica e Diagnostico Molecular, Hospital Israelita Albert Einstein
Classification: Uncertain significance for Sifrim-Hitz-Weiss syndrome. Last evaluated: 2025-02-13. Review status: criteria provided, single submitter. Criteria: ACMG Guidelines, 2015. Collection method: clinical testing. Allele origin: germline. Affected: yes.
Comment: ACMG classification criteria: PM2 supporting, PP2 supporting, BP4 supporting

GeneDx
Classification: Uncertain significance. Last evaluated: 2019-12-03. Review status: criteria provided, single submitter. Criteria: GeneDx Variant Classification Process June 2021. Collection method: clinical testing. Allele origin: germline. Affected: yes.
Comment: Not observed in large population cohorts (Lek et al., 2016); In silico analysis, which includes protein predictors and evolutionary conservation, supports a deleterious effect; Has not been previously published as pathogenic or benign to our knowledge